The following is an entry in ClinVar:

NM_001001524.3(TM6SF2):c.647C>T (p.Pro216Leu)

Gene: TM6SF2 (transmembrane 6 superfamily member 2; minus strand). Cytogenetic location: 19p13.11.
Variant type: single nucleotide variant.
Coding change: c.647C>T on transcript NM_001001524.3 (MANE Select); coding-DNA position 647, C replaced by T.
Protein change: p.Pro216Leu; replaces proline 216 with leucine.
Molecular consequence: missense variant.
Genome position (GRCh38, 1-based): chr19:19,268,050, G>A on the plus strand (C>T on the coding strand, the complement: TM6SF2 is on the minus strand). VCF-style: chr19-19268050-G-A. GRCh37 (hg19) VCF-style: chr19-19378859-G-A.
Other names: short protein forms P216L.
Identifiers: ClinVar variation 4981045 (VCV004981045.1).
Genomic context (GRCh38, chr19:19,268,050, plus strand): 5'-CCCCGGAACAGAGTGAAGAAGCCAGCAAGGATGAGATATATGACAAGGGCCAGGTCAGCC[G>A]GACGCTGCAGGAGTCCCTTTCTTTGTTCCTCTTGCACCTGGCCCAGGGGAGAGAAACAGA-3'
Protein context (NP_001001524.2, residues 206-226): EEQRKGLLQR[Pro216Leu]ADLALVIYLI

ClinVar aggregate classification (germline): Uncertain significance (1 of 4 stars; one submission).

Conditions:
TM6SF2-related condition.

Submission:

PreventionGenetics, part of Exact Sciences
Classification: Uncertain significance for TM6SF2-related condition. Last evaluated: 2026-05-11. Review status: criteria provided, single submitter. Criteria: ACMG Guidelines, 2015. Collection method: clinical testing. Allele origin: germline.
Comment: The TM6SF2 c.647C>T variant is predicted to result in the amino acid substitution p.Pro216Leu. To our knowledge, this variant has not been reported in the literature. This variant is reported in 0.099% of alleles in individuals of Latino descent in gnomAD. Although we suspect this variant may be benign, at this time, the clinical significance of this variant is uncertain due to the absence of conclusive functional and genetic evidence.